The following is an entry in ClinVar:

NM_001256789.3(CACNA1F):c.2077G>T (p.Val693Phe)

Gene: CACNA1F (calcium voltage-gated channel subunit alpha1 F; minus strand). Cytogenetic location: Xp11.23.
Variant type: single nucleotide variant.
Coding change: c.2077G>T on transcript NM_001256789.3 (MANE Select); coding-DNA position 2077, G replaced by T.
Protein change: p.Val693Phe; replaces valine 693 with phenylalanine.
Molecular consequence: missense variant.
Genome position (GRCh38, 1-based): chrX:49,222,937, C>A on the plus strand (G>T on the coding strand, the complement: CACNA1F is on the minus strand). VCF-style: chrX-49222937-C-A. GRCh37 (hg19) VCF-style: chrX-49079396-C-A.
Other names: c.1915G>T, p.Val639Phe (NM_001256790.3); c.2110G>T, p.Val704Phe (NM_005183.4); short protein forms V693F, V639F, V704F.
Identifiers: ClinVar variation 953388 (VCV000953388.10), dbSNP rs1459166203, ClinGen allele CA412911364.
Genomic context (GRCh38, chrX:49,222,937, plus strand): 5'-TCCAACTCCAGGGTCTCCCCGACCCACCCATCCCATGGTCTCCAGATCCTACCTGAAAGA[C>A]AGTGAGGAGGGCCTGGGGGAACGTGTCAAAGGTGCTTCGCTTGGTGTGGGTCTGGTCAAA-3'
Protein context (NP_001243718.1, residues 683-703): FDTFPQALLT[Val693Phe]FQILTGEDWN

ClinVar aggregate classification (germline): Uncertain significance. Review status: criteria provided, multiple submitters, no conflicts (2 of 4 stars). 2 submissions from 2 submitters: Uncertain significance (2). Last evaluated 2022-06-20.

Allele frequency attached by ClinVar (database versions not stated): gnomAD exomes below 0.00001.
gnomAD v4.1: 3 of 1,150,295 alleles (0.00026%); highest among the groups gnomAD compares: Non-Finnish European, 0.00035%; no homozygotes.

Submissions (2):

Blueprint Genetics
Classification: Uncertain significance. Last evaluated: 2022-06-20. Review status: criteria provided, single submitter. Criteria: ACMG Guidelines, 2015. Collection method: clinical testing. Allele origin: germline.

Labcorp Genetics (formerly Invitae), Labcorp
Classification: Uncertain significance. Last evaluated: 2021-07-13. Review status: criteria provided, single submitter. Criteria: Invitae Variant Classification Sherloc (09022015). Collection method: clinical testing. Allele origin: germline.
Comment: This variant has not been reported in the literature in individuals with CACNA1F-related conditions. This sequence change replaces valine with phenylalanine at codon 704 of the CACNA1F protein (p.Val704Phe). The valine residue is moderately conserved and there is a small physicochemical difference between valine and phenylalanine. This variant is not present in population databases (ExAC no frequency). In summary, the available evidence is currently insufficient to determine the role of this variant in disease. Therefore, it has been classified as a Variant of Uncertain Significance. Algorithms developed to predict the effect of missense changes on protein structure and function are either unavailable or do not agree on the potential impact of this missense change (SIFT: "Deleterious"; PolyPhen-2: "Probably Damaging"; Align-GVGD: "Class C0").